The following is an entry in ClinVar:

NM_000152.5(GAA):c.2236T>G (p.Trp746Gly)

Gene: GAA (alpha glucosidase; plus strand). Cytogenetic location: 17q25.3.
Variant type: single nucleotide variant.
Coding change: c.2236T>G on transcript NM_000152.5 (MANE Select); coding-DNA position 2236, T replaced by G.
Protein change: p.Trp746Gly; replaces tryptophan 746 with glycine.
Molecular consequence: missense variant.
Genome position (GRCh38, 1-based): chr17:80,117,014, T>G. VCF-style: chr17-80117014-T-G. GRCh37 (hg19) VCF-style: chr17-78090813-T-G.
Other names: c.2236T>G, p.Trp746Gly (NM_001079803.3, NM_001079804.3); c.2236T>G (LRG_673t1); short protein forms W746G.
Identifiers: ClinVar variation 556431 (VCV000556431.25), dbSNP rs1479740763, ClinGen allele CA401324770.
Genomic context (GRCh38, chr17:80,117,014, plus strand): 5'-CATCCCCCTTGCAGGTTCCCCAAGGACTCTAGCACCTGGACTGTGGACCACCAGCTCCTG[T>G]GGGGGGAGGCCCTGCTCATCACCCCAGTGCTCCAGGCCGGGAAGGCCGAAGTGACTGGCT-3'
Protein context (NP_000143.2, residues 736-756): STWTVDHQLL[Trp746Gly]GEALLITPVL

ClinVar aggregate classification (germline): Pathogenic/Likely pathogenic. Review status: criteria provided, multiple submitters, no conflicts (2 of 4 stars). 10 submissions from 10 submitters: Pathogenic (2); Likely pathogenic (7). 1 of the submissions does not count toward it. Last evaluated 2026-07-01.

Conditions:
Glycogen storage disease, type II (IOPD). Also called: POMPE DISEASE, INFANTILE-ONSET; GLYCOGEN STORAGE DISEASE II, INFANTILE-ONSET; ACID ALPHA-GLUCOSIDASE DEFICIENCY, INFANTILE-ONSET; GAA DEFICIENCY, INFANTILE-ONSET; ACID MALTASE DEFICIENCY, INFANTILE-ONSET; CARDIOMEGALIA GLYCOGENICA DIFFUSA. Identifiers: Orphanet 365, MedGen C0017921, MONDO:0009290, OMIM 232300.

Allele frequency attached by ClinVar (database versions not stated): gnomAD 0.00001.
gnomAD v4.1: 1 of 1,613,542 alleles (0.000062%); highest among the groups gnomAD compares: East Asian, 0.0022%; no homozygotes.

Submissions (10):

Genomenon, Inc
Classification: Likely pathogenic for Glycogen storage disease, type II. Last evaluated: 2026-07-01. Review status: criteria provided, single submitter. Criteria: Genomenon Sequence Variant Interpretation Standards - Updated. Collection method: curation. Allele origin: germline. Affected: no.
Comment: GAA p.Trp746Gly (c.2236T>G) is a missense variant that changes the amino acid at codon 746 from Tryptophan to Glycine. This variant has been reported in the published literature (PMID:34995642;21488246;20080426;37600231;23457621). At least one functional study has demonstrated a substantial alteration in protein function relative to the wild-type (PMID:23430493). The presence of pathogenic/likely pathogenic missense variant(s) at the same amino acid position indicates that this residue is likely important for protein function. It is absent or not present at a significant frequency in gnomAD. In silico models predict that this variant is possibly or probably damaging. In conclusion, we classify GAA p.Trp746Gly (c.2236T>G) as a likely pathogenic variant.

Natera, Inc.
Classification: Likely pathogenic for Glycogen storage disease type II. Last evaluated: 2024-09-27. Review status: criteria provided, single submitter. Criteria: Natera Variant Classification Schema (03/2026). Collection method: clinical testing. Allele origin: germline.
Comment: The c.2236T>G variant in GAA is a missense variant predicted to cause substitution of tryptophan to glycine at amino acid 746. This variant is rare in the general population with a frequency below the threshold expected for the associated phenotype(s). This variant has been observed in one or more individuals affected with the associated recessive disease, as either homozygous or compound heterozygous with a second variant (PMID: 34995642). Functional studies show that this variant may disrupt protein function (PMID: 23430493). A different variant at the same position has been determined to be Pathogenic or Likely Pathogenic. Computational prediction algorithms indicate this variant is likely to affect gene or protein function. Given the available evidence, this variant is classified as Likely Pathogenic.

Fulgent Genetics
Classification: Likely pathogenic for Glycogen storage disease, type II. Last evaluated: 2024-06-12. Review status: criteria provided, single submitter. Criteria: ACMG Guidelines, 2015. Collection method: clinical testing. Allele origin: germline.

Labcorp Genetics (formerly Invitae), Labcorp
Classification: Likely pathogenic for Glycogen storage disease, type II. Last evaluated: 2024-02-18. Review status: criteria provided, single submitter. Criteria: Invitae Variant Classification Sherloc (09022015). Collection method: clinical testing. Allele origin: germline.
Comment: This sequence change replaces tryptophan, which is neutral and slightly polar, with glycine, which is neutral and non-polar, at codon 746 of the GAA protein (p.Trp746Gly). This variant is present in population databases (no rsID available, gnomAD 0.06%). This missense change has been observed in individual(s) with features of Pompe disease (PMID: 20080426). ClinVar contains an entry for this variant (Variation ID: 556431). Advanced modeling of protein sequence and biophysical properties (such as structural, functional, and spatial information, amino acid conservation, physicochemical variation, residue mobility, and thermodynamic stability) performed at Invitae indicates that this missense variant is expected to disrupt GAA protein function with a positive predictive value of 95%. Experimental studies have shown that this missense change affects GAA function (PMID: 23430493). This variant disrupts the p.Trp746 amino acid residue in GAA. Other variant(s) that disrupt this residue have been determined to be pathogenic (PMID: 7981676, 9535769, 18458862, 21232767, 21757382, 23430493, 25093132, 25526786, 27099502). This suggests that this residue is clinically significant, and that variants that disrupt this residue are likely to be disease-causing. In summary, the currently available evidence indicates that the variant is pathogenic, but additional data are needed to prove that conclusively. Therefore, this variant has been classified as Likely Pathogenic.

Women's Health and Genetics/Laboratory Corporation of America, LabCorp
Classification: Likely pathogenic for Glycogen storage disease, type II. Last evaluated: 2023-03-07. Review status: criteria provided, single submitter. Criteria: LabCorp Variant Classification Summary - May 2015. Collection method: clinical testing. Allele origin: germline.
Comment: Variant summary: GAA c.2236T>G (p.Trp746Gly) results in a non-conservative amino acid change in the encoded protein sequence. Five of five in-silico tools predict a damaging effect of the variant on protein function. The variant was absent in 250780 control chromosomes (gnomAD). c.2236T>G has been reported in the literature in a heterozygous individual, found during newborn screening, who had a low lymphocyte GAA activity (Labrousse 2010). This report does not provide unequivocal conclusions about association of the variant with Glycogen Storage Disease, Type 2 (Pompe Disease). At least one publication reports experimental evidence evaluating an impact on protein function (Nino 2012). The most pronounced variant effect results in <10% of normal activity. Two other variants affecting the same codon, namely c.2238G>C (p.Trp746Cys, internal database) and c.2236T>C (p.Trp746Arg, Emory EmVClass variant database) have been reported as Pathogenic and Likely Pathogenic respectively. This suggests that the variant may impact a functionally critical residue in the GAA protein. Five clinical diagnostic laboratories have submitted clinical-significance assessments for this variant to ClinVar after 2014 and classified the variant as VUS, and pathogenic /likely pathogenic. Based on the evidence outlined above, the variant was classified as likely pathogenic.

Genome-Nilou Lab
Classification: Likely pathogenic for Glycogen storage disease, type II. Last evaluated: 2021-07-22. Review status: criteria provided, single submitter. Criteria: ACMG Guidelines, 2015. Collection method: clinical testing. Allele origin: germline. Affected: no.

Broad Center for Mendelian Genomics, Broad Institute of MIT and Harvard
Classification: Pathogenic for Glycogen storage disease, type II. Last evaluated: 2020-01-22. Review status: criteria provided, single submitter. Criteria: ACMG Guidelines, 2015. Collection method: curation. Allele origin: germline. Inheritance: Autosomal recessive inheritance.
Comment: The p.Trp746Gly variant in GAA has been reported in two individuals with glycogen storage disease II (PMID: 21488293, 20080426) and has also been reported in ClinVar (VariationID: 556431) as a VUS by Counsyl. Data from large population studies is insufficient to assess the frequency of this variant. In vitro functional studies using HEK-293 cells and medium transfected with the variant provide some evidence that the p.Trp746Gly variant may impact protein function (PMID: 23430493). However, these types of assays may not accurately represent biological function. Three additional pathogenic and likely pathogenic variants, resulting in a different amino acid change at the same position, p.Trp746Ser, p.Trp746Cys, and p.Trp746Arg, have been reported in association with disease in ClinVar, supporting that a change at this position may not be tolerated (Variation ID: 188484, 265160, 499293). Computational prediction tools and conservation analyses suggest that this variant may impact the protein, though this information is not predictive enough to determine pathogenicity. In summary, this variant meets criteria to be classified as pathogenic for glycogen storage disease II in an autosomal recessive manner based on in vitro functional studies and multiple reported pathogenic variants in the same codon. ACMG/AMP Criteria applied: PM5_strong, PS3, PP3 (Richards 2015).

Revvity Omics, Revvity
Classification: Pathogenic. Last evaluated: 2019-10-16. Review status: criteria provided, single submitter. Criteria: ACMG Guidelines, 2015. Collection method: clinical testing. Allele origin: germline.

Juno Genomics, Hangzhou Juno Genomics, Inc
Classification: Likely pathogenic for Glycogen storage disease, type II. Review status: criteria provided, single submitter. Criteria: ACMG Guidelines, 2015. Collection method: clinical testing. Allele origin: germline.
Comment: Absent from controls (or at extremely low frequency if recessive) in Genome Aggregation Database.;Novel missense change at an amino acid residue where a different missense change determined to be pathogenic has been seen before.;Well-established in vitro or in vivo functional studies supportive of a damaging effect on the gene or gene product.

Counsyl
Classification: Uncertain significance for Glycogen storage disease, type II. Last evaluated: 2018-02-05. Review status: no assertion criteria provided. Collection method: clinical testing. Allele origin: unknown. Not counted in ClinVar's aggregate classification.

Literature cited by the submitters: PubMed 34995642 (cited by Genomenon, Inc and Natera, Inc.); PubMed 21488246 (cited by Genomenon, Inc); PubMed 20080426 (cited by 4 submitters); PubMed 37600231 (cited by Genomenon, Inc); PubMed 23457621 (cited by Genomenon, Inc); PubMed 23430493 (cited by 6 submitters); PubMed 7981676 (cited by Labcorp Genetics (formerly Invitae), Labcorp); PubMed 9535769 (cited by Labcorp Genetics (formerly Invitae), Labcorp); PubMed 18458862 (cited by Labcorp Genetics (formerly Invitae), Labcorp); PubMed 21232767 (cited by Labcorp Genetics (formerly Invitae), Labcorp); PubMed 21757382 (cited by Labcorp Genetics (formerly Invitae), Labcorp); PubMed 25093132 (cited by Labcorp Genetics (formerly Invitae), Labcorp); PubMed 25526786 (cited by Labcorp Genetics (formerly Invitae), Labcorp); PubMed 27099502 (cited by Labcorp Genetics (formerly Invitae), Labcorp).